The following is an entry in ClinVar:

ClinVar aggregate classification (germline): Uncertain significance. Review status: criteria provided, multiple submitters, no conflicts (2 of 4 stars). 2 submissions from 2 submitters: Uncertain significance (2). Last evaluated 2025-03-31.

Conditions:
Hereditary cancer-predisposing syndrome. Also called: Hereditary neoplastic syndrome; Neoplastic Syndromes, Hereditary; Tumor predisposition; Hereditary Cancer Syndrome. Identifiers: Orphanet 140162, MedGen C0027672, MeSH D009386, MONDO:0015356.
Microcephaly, normal intelligence and immunodeficiency (NBS). Also called: Nijmegen breakage syndrome; Microcephaly with normal intelligence immunodeficiency and lymphoreticular malignancies; Nonsyndromal microcephaly autosomal recessive with normal intelligence; Seemanova syndrome 2; Ataxia telangiectasia variant V1; SEEMANOVA SYNDROME II. Identifiers: Orphanet 647, MedGen C0398791, MONDO:0009623, OMIM 251260.

Submissions (2):

Ambry Genetics
Classification: Uncertain significance for Hereditary cancer-predisposing syndrome. Last evaluated: 2025-03-31. Review status: criteria provided, single submitter. Criteria: Ambry Variant Classification Scheme 2023. Collection method: clinical testing. Allele origin: germline.
Comment: The p.Y24S variant (also known as c.71A>C), located in coding exon 2 of the NBN gene, results from an A to C substitution at nucleotide position 71. The tyrosine at codon 24 is replaced by serine, an amino acid with dissimilar properties. This amino acid position is conserved. In addition, this alteration is predicted to be deleterious by in silico analysis. Based on the available evidence, the clinical significance of this variant remains unclear.

Labcorp Genetics (formerly Invitae), Labcorp
Classification: Uncertain significance for Microcephaly, normal intelligence and immunodeficiency. Last evaluated: 2023-01-28. Review status: criteria provided, single submitter. Criteria: Invitae Variant Classification Sherloc (09022015). Collection method: clinical testing. Allele origin: germline.
Comment: Algorithms developed to predict the effect of missense changes on protein structure and function are either unavailable or do not agree on the potential impact of this missense change (SIFT: "Deleterious"; PolyPhen-2: "Probably Damaging"; Align-GVGD: "Class C0"). ClinVar contains an entry for this variant (Variation ID: 1045968). This variant has not been reported in the literature in individuals affected with NBN-related conditions. This variant is not present in population databases (gnomAD no frequency). This sequence change replaces tyrosine, which is neutral and polar, with serine, which is neutral and polar, at codon 24 of the NBN protein (p.Tyr24Ser). In summary, the available evidence is currently insufficient to determine the role of this variant in disease. Therefore, it has been classified as a Variant of Uncertain Significance.

NM_002485.5(NBN):c.71A>C (p.Tyr24Ser)

Gene: NBN (nibrin; minus strand). Cytogenetic location: 8q21.3.
Variant type: single nucleotide variant.
Coding change: c.71A>C on transcript NM_002485.5 (MANE Select); coding-DNA position 71, A replaced by C.
Protein change: p.Tyr24Ser; replaces tyrosine 24 with serine.
Molecular consequence: missense variant. On other transcripts: 5 prime UTR variant (1).
Genome position (GRCh38, 1-based): chr8:89,982,822, T>G on the plus strand (A>C on the coding strand, the complement: NBN is on the minus strand). VCF-style: chr8-89982822-T-G. GRCh37 (hg19) VCF-style: chr8-90995050-T-G.
Other names: c.-226A>C (NM_001024688.3); c.71A>C (NM_002485.4); short protein forms Y24S.
Identifiers: ClinVar variation 1045968 (VCV001045968.9), dbSNP rs1812137176, ClinGen allele CA371663491.
Genomic context (GRCh38, chr8:89,982,822, plus strand): 5'-TTTCGGCTGATCGACTGATCATTTTCAATCAGAATGGCACAGTTTTTCCTTCCAACAACG[T>G]ACTCAACGCCAGTCAAAAGTCTGTATGGTTCTCCTGAGATAAATTTTTTTTTAAAAAAAG-3'
Protein context (NP_002476.2, residues 14-34): EPYRLLTGVE[Tyr24Ser]VVGRKNCAIL